The following is an entry in ClinVar:

ClinVar aggregate classification (germline): Uncertain significance (1 of 4 stars; one submission).

Conditions:
Congenital myasthenic syndrome 4A. Also called: Myasthenic syndrome, congenital, 4a, slow-channel; CONGENITAL MYASTHENIC SYNDROME TYPE Ia1; MYASTHENIC SYNDROME, CONGENITAL, 4A, SLOW-CHANNEL, AUTOSOMAL RECESSIVE. Identifiers: Orphanet 590, MedGen C4225413, MONDO:0011600, OMIM 605809.

Submission:

3billion
Classification: Uncertain significance for Congenital myasthenic syndrome 4A. Last evaluated: 2026-01-22. Review status: criteria provided, single submitter. Criteria: ACMG Guidelines, 2015. Collection method: clinical testing. Allele origin: germline. Affected: yes.
Comment: The variant is not observed in the gnomAD v4.1.0 dataset. Predicted Consequence/Location: Missense variant In silico tool predictions suggest damaging effect of the variant on gene or gene product [REVEL: 0.96 (>=0.6, sensitivity 0.68 and specificity 0.92); 3Cnet: 0.99 (> 0.75, sensitivity 0.96 and precision 0.92)]. Therefore, this variant is classified as VUS according to the recommendation of ACMG/AMP guideline.

NM_000080.4(CHRNE):c.472G>C (p.Asp158His)

Genes: C17orf107 (chromosome 17 open reading frame 107; plus strand), CHRNE (cholinergic receptor nicotinic epsilon subunit; minus strand). Cytogenetic location: 17p13.2.
Variant type: single nucleotide variant.
Coding change: c.472G>C on transcript NM_000080.4 (MANE Select); coding-DNA position 472, G replaced by C.
Protein change: p.Asp158His; replaces aspartic acid 158 with histidine.
Molecular consequence: missense variant. On other transcripts: 3 prime UTR variant (1).
Genome position (GRCh38, 1-based): chr17:4,901,960, C>G on the plus strand (G>C on the coding strand, the complement: CHRNE is on the minus strand). VCF-style: chr17-4901960-C-G. GRCh37 (hg19) VCF-style: chr17-4805255-C-G.
Other names: c.*1427C>G (NM_001145536.2); short protein forms D158H.
Identifiers: ClinVar variation 4854949 (VCV004854949.1).